The following is an entry in ClinVar:

ClinVar aggregate classification (germline): Uncertain significance. Review status: criteria provided, multiple submitters, no conflicts (2 of 4 stars). 2 submissions from 2 submitters: Uncertain significance (2). Last evaluated 2021-07-20.

Conditions:
Inborn genetic diseases. Identifiers: MedGen C0950123, MeSH D030342.

Allele frequency attached by ClinVar (database versions not stated): TOPMed 0.00001.
gnomAD v4.1: 6 of 1,613,606 alleles (0.00037%); highest among the groups gnomAD compares: Admixed American, 0.01%; no homozygotes.

Submissions (2):

Ambry Genetics
Classification: Uncertain significance for Inborn genetic diseases. Last evaluated: 2021-07-20. Review status: criteria provided, single submitter. Criteria: Ambry Variant Classification Scheme 2023. Collection method: clinical testing. Allele origin: germline.

Labcorp Genetics (formerly Invitae), Labcorp
Classification: Uncertain significance. Last evaluated: 2019-09-14. Review status: criteria provided, single submitter. Criteria: Invitae Variant Classification Sherloc (09022015). Collection method: clinical testing. Allele origin: germline.
Comment: In summary, the available evidence is currently insufficient to determine the role of this variant in disease. Therefore, it has been classified as a Variant of Uncertain Significance. Algorithms developed to predict the effect of missense changes on protein structure and function (SIFT, PolyPhen-2, Align-GVGD) all suggest that this variant is likely to be tolerated, but these predictions have not been confirmed by published functional studies and their clinical significance is uncertain. This variant has not been reported in the literature in individuals with FAM20A-related conditions. This variant is present in population databases (rs200466905, ExAC 0.009%). This sequence change replaces arginine with leucine at codon 170 of the FAM20A protein (p.Arg170Leu). The arginine residue is moderately conserved and there is a moderate physicochemical difference between arginine and leucine.

NM_017565.4(FAM20A):c.509G>T (p.Arg170Leu)

Gene: FAM20A (FAM20A golgi associated secretory pathway pseudokinase; minus strand). Cytogenetic location: 17q24.2.
Variant type: single nucleotide variant.
Coding change: c.509G>T on transcript NM_017565.4 (MANE Select); coding-DNA position 509, G replaced by T.
Protein change: p.Arg170Leu; replaces arginine 170 with leucine.
Molecular consequence: missense variant. On other transcripts: non-coding transcript variant (1).
Genome position (GRCh38, 1-based): chr17:68,555,639, C>A on the plus strand (G>T on the coding strand, the complement: FAM20A is on the minus strand). VCF-style: chr17-68555639-C-A. GRCh37 (hg19) VCF-style: chr17-66551780-C-A.
Other names: c.95G>T, p.Arg32Leu (NM_001243746.2); short protein forms R170L, R32L.
Identifiers: ClinVar variation 943631 (VCV000943631.10), dbSNP rs200466905, ClinGen allele CA8730055.